The following is an entry in ClinVar:

NM_001129.5(AEBP1):c.967C>T (p.Pro323Ser)

Gene: AEBP1 (AE binding protein 1; plus strand). Cytogenetic location: 7p13.
Variant type: single nucleotide variant.
Coding change: c.967C>T on transcript NM_001129.5 (MANE Select); coding-DNA position 967, C replaced by T.
Protein change: p.Pro323Ser; replaces proline 323 with serine.
Molecular consequence: missense variant.
Genome position (GRCh38, 1-based): chr7:44,108,925, C>T. VCF-style: chr7-44108925-C-T. GRCh37 (hg19) VCF-style: chr7-44148524-C-T.
Other names: short protein forms P323S.
Identifiers: ClinVar variation 3896655 (VCV003896655.2).

ClinVar aggregate classification (germline): Uncertain significance (1 of 4 stars; one submission).

Submission:

Women's Health and Genetics/Laboratory Corporation of America, LabCorp
Classification: Uncertain significance. Last evaluated: 2025-04-24. Review status: criteria provided, single submitter. Criteria: LabCorp Variant Classification Summary - May 2015. Collection method: clinical testing. Allele origin: germline.
Comment: Variant summary: AEBP1 c.967C>T (p.Pro323Ser) results in a non-conservative amino acid change in the encoded protein sequence. Three of five in-silico tools predict a benign effect of the variant on protein function. The variant was absent in 219490 control chromosomes. The available data on variant occurrences in the general population are insufficient to allow any conclusion about variant significance. To our knowledge, no occurrence of c.967C>T in individuals affected with Ehlers-Danlos syndrome, classic-like, 2 and no experimental evidence demonstrating its impact on protein function have been reported. No submitters have cited clinical-significance assessments for this variant to ClinVar. Based on the evidence outlined above, the variant was classified as uncertain significance.